The following is an entry in ClinVar:

NM_005534.4(IFNGR2):c.80T>C (p.Leu27Pro)

Gene: IFNGR2 (interferon gamma receptor 2; plus strand). Cytogenetic location: 21q22.11.
Variant type: single nucleotide variant.
Coding change: c.80T>C on transcript NM_005534.4 (MANE Select); coding-DNA position 80, T replaced by C.
Protein change: p.Leu27Pro; replaces leucine 27 with proline.
Molecular consequence: missense variant.
Genome position (GRCh38, 1-based): chr21:33,414,894, T>C. VCF-style: chr21-33414894-T-C. GRCh37 (hg19) VCF-style: chr21-34787201-T-C.
Other names: c.137T>C, p.Leu46Pro (NM_001329128.2); short protein forms L46P, L27P.
Identifiers: ClinVar variation 1510582 (VCV001510582.6), dbSNP rs2123339140, ClinGen allele CA410115153.

ClinVar aggregate classification (germline): Uncertain significance (1 of 4 stars; one submission).

Conditions:
Immunodeficiency 28 (IMD28). Also called: IFNGR2 DEFICIENCY. Identifiers: Orphanet 319547, Orphanet 319574, MedGen C4013947, MONDO:0013953, OMIM 614889.

Submission:

Labcorp Genetics (formerly Invitae), Labcorp
Classification: Uncertain significance for Immunodeficiency 28. Last evaluated: 2023-11-27. Review status: criteria provided, single submitter. Criteria: Invitae Variant Classification Sherloc (09022015). Collection method: clinical testing. Allele origin: germline.
Comment: This sequence change replaces leucine, which is neutral and non-polar, with proline, which is neutral and non-polar, at codon 27 of the IFNGR2 protein (p.Leu27Pro). This variant is not present in population databases (gnomAD no frequency). This variant has not been reported in the literature in individuals affected with IFNGR2-related conditions. ClinVar contains an entry for this variant (Variation ID: 1510582). Advanced modeling of protein sequence and biophysical properties (such as structural, functional, and spatial information, amino acid conservation, physicochemical variation, residue mobility, and thermodynamic stability) performed at Invitae indicates that this missense variant is not expected to disrupt IFNGR2 protein function with a negative predictive value of 80%. In summary, the available evidence is currently insufficient to determine the role of this variant in disease. Therefore, it has been classified as a Variant of Uncertain Significance.